The following is an entry in ClinVar:

ClinVar aggregate classification (germline): Benign/Likely benign. Review status: criteria provided, multiple submitters, no conflicts (2 of 4 stars). 7 submissions from 7 submitters: Benign (3); Likely benign (4). Last evaluated 2026-06-26.

Conditions:
ZNF469-related disorder. Also called: ZNF469-related condition.
Cardiovascular phenotype. Identifiers: MedGen CN230736.
Ehlers-Danlos syndrome (EDS). Identifiers: Orphanet 98249, MedGen C0013720, MONDO:0020066.

Allele frequency attached by ClinVar (database versions not stated): ExAC 0.00015; 1000 Genomes Project 0.00020; gnomAD exomes 0.00148; gnomAD 0.00164 and 0.00170.
gnomAD v4.1: 695 of 465,282 alleles (0.15%); highest among the groups gnomAD compares: Non-Finnish European, 0.12%; 2 homozygotes.

Submissions (7):

Women's Health and Genetics/Laboratory Corporation of America, LabCorp
Classification: Likely benign. Last evaluated: 2026-06-26. Review status: criteria provided, single submitter. Criteria: LabCorp Variant Classification Summary - May 2015. Collection method: clinical testing. Allele origin: germline.

PreventionGenetics, part of Exact Sciences
Classification: Likely benign for ZNF469-related condition. Last evaluated: 2026-06-24. Review status: criteria provided, single submitter. Criteria: ACMG Guidelines, 2015. Collection method: clinical testing. Allele origin: germline.
Comment: This variant is classified as likely benign based on ACMG/AMP sequence variant interpretation guidelines (Richards et al. 2015 PMID: 25741868, with internal and published modifications).

Labcorp Genetics (formerly Invitae), Labcorp
Classification: Benign. Last evaluated: 2026-01-24. Review status: criteria provided, single submitter. Criteria: Invitae Variant Classification Sherloc (09022015). Collection method: clinical testing. Allele origin: germline.

Mayo Clinic Laboratories, Mayo Clinic
Classification: Likely benign. Last evaluated: 2025-08-14. Review status: criteria provided, single submitter. Criteria: ACMG Guidelines, 2015. Collection method: clinical testing. Allele origin: germline. Observed: 2 variant alleles.
Comment: BS1, BP4, BP7

Ambry Genetics
Classification: Benign for Cardiovascular phenotype. Last evaluated: 2021-04-15. Review status: criteria provided, single submitter. Criteria: Ambry Variant Classification Scheme 2023. Collection method: clinical testing. Allele origin: germline.

Genome Diagnostics Laboratory, The Hospital for Sick Children
Classification: Likely benign for Ehlers-Danlos syndrome. Last evaluated: 2020-05-01. Review status: criteria provided, single submitter. Criteria: ACMG Guidelines, 2015. Collection method: clinical testing. Allele origin: germline.

Breakthrough Genomics
Classification: Benign. Review status: criteria provided, single submitter. Criteria: ACMG Guidelines, 2015. Collection method: not provided. Allele origin: germline. Inheritance: Autosomal recessive inheritance. Affected: yes.

NM_001367624.2(ZNF469):c.1953G>A (p.Pro651=)

Gene: ZNF469 (zinc finger protein 469; plus strand). Cytogenetic location: 16q24.2.
Variant type: single nucleotide variant.
Coding change: c.1953G>A on transcript NM_001367624.2 (MANE Select); coding-DNA position 1953, G replaced by A.
Protein change: p.Pro651=; no amino-acid change (proline 651 retained).
Molecular consequence: synonymous variant.
Genome position (GRCh38, 1-based): chr16:88,429,423, G>A. VCF-style: chr16-88429423-G-A. GRCh37 (hg19) VCF-style: chr16-88495831-G-A.
Other names: NM_001127464.2:c.1953G>A; NM_001127464.1:c.1953G>A; p.Pro651=.
Identifiers: ClinVar variation 1606005 (VCV001606005.17), dbSNP rs564837770, ClinGen allele CA8224726.